The following is an entry in ClinVar:

NM_000548.5(TSC2):c.152A>C (p.Glu51Ala)

Gene: TSC2 (TSC complex subunit 2; plus strand). Cytogenetic location: 16p13.3.
Variant type: single nucleotide variant.
Coding change: c.152A>C on transcript NM_000548.5 (MANE Select); coding-DNA position 152, A replaced by C.
Protein change: p.Glu51Ala; replaces glutamic acid 51 with alanine.
Molecular consequence: missense variant. On other transcripts: 5 prime UTR variant (1).
Genome position (GRCh38, 1-based): chr16:2,050,413, A>C. VCF-style: chr16-2050413-A-C. GRCh37 (hg19) VCF-style: chr16-2100414-A-C.
Other names: p.E51A:GAA>GCA; c.152A>C, p.Glu51Ala (NM_001077183.3, NM_001114382.3, NM_001318827.2 and 4 more transcripts); c.5A>C, p.Glu2Ala (NM_001318829.2); c.-75A>C (NM_001318831.2); c.185A>C, p.Glu62Ala (NM_001318832.2); c.152A>C (NM_000548.4); short protein forms E51A, E2A, E62A.
Identifiers: ClinVar variation 207736 (VCV000207736.28), dbSNP rs772617064, ClinGen allele CA030988.

ClinVar aggregate classification (germline): Conflicting classifications of pathogenicity. Review status: criteria provided, conflicting classifications (1 of 4 stars). 10 submissions from 10 submitters: Uncertain significance (7); Likely benign (3). Last evaluated 2026-01-19.

Conditions:
TSC2-related disorder. Also called: TSC2-Related Disorders; TSC2-related condition.
Hereditary cancer-predisposing syndrome. Also called: Hereditary Cancer Syndrome; Neoplastic Syndromes, Hereditary; Tumor predisposition; Hereditary neoplastic syndrome. Identifiers: Orphanet 140162, MedGen C0027672, MeSH D009386, MONDO:0015356.
Tuberous sclerosis syndrome (TSC). Also called: Tuberous sclerosis; Tuberous Sclerosis Complex. Identifiers: Orphanet 805, MedGen C0041341, MONDO:0001734.
Tuberous sclerosis 2 (TSC2). Identifiers: Orphanet 805, MedGen C1860707, MONDO:0013199, OMIM 613254.

Allele frequency attached by ClinVar (database versions not stated): TOPMed below 0.00001; gnomAD 0.00001; ExAC 0.00002; gnomAD exomes 0.00002.
gnomAD v4.1: 17 of 1,613,764 alleles (0.0011%); highest among the groups gnomAD compares: Non-Finnish European, 0.0014%; no homozygotes.

Submissions (10):

Labcorp Genetics (formerly Invitae), Labcorp
Classification: Likely benign for Tuberous sclerosis 2. Last evaluated: 2026-01-19. Review status: criteria provided, single submitter. Criteria: Invitae Variant Classification Sherloc (09022015). Collection method: clinical testing. Allele origin: germline.

PreventionGenetics, part of Exact Sciences
Classification: Uncertain significance for TSC2-related condition. Last evaluated: 2026-01-05. Review status: criteria provided, single submitter. Criteria: ACMG Guidelines, 2015. Collection method: clinical testing. Allele origin: germline.
Comment: The TSC2 c.152A>C variant is predicted to result in the amino acid substitution p.Glu51Ala. This variant was reported as a variant of unknown significance in an individual with renal angiomyolipoma (Postema et al. 2021. PubMed ID: 33686467). This variant is reported in 0.0035% of alleles in individuals of European (Non-Finnish) descent in gnomAD and has conflicting interpretations regarding its pathogenicity in ClinVar, ranging from likely benign to uncertain (Variation ID: 207736). Although we suspect that this variant may be benign, at this time, the clinical significance of this variant is uncertain due to the absence of conclusive functional and genetic evidence.

Color Diagnostics, LLC DBA Color Health
Classification: Uncertain significance for Tuberous sclerosis syndrome. Last evaluated: 2025-06-24. Review status: criteria provided, single submitter. Criteria: ACMG Guidelines, 2015. Collection method: clinical testing. Allele origin: germline.
Comment: This missense variant replaces glutamic acid with alanine at codon 51 of the TSC2 protein. Computational prediction is inconclusive regarding the impact of this variant on protein structure and function. To our knowledge, functional studies have not been reported for this variant. This variant has been reported in an individual affected with renal angiomyolipoma (PMID: 33686467). This variant has been identified in 4/251096 chromosomes in the general population by the Genome Aggregation Database (gnomAD). The available evidence is insufficient to determine the role of this variant in disease conclusively. Therefore, this variant is classified as a Variant of Uncertain Significance.

GeneDx
Classification: Uncertain significance. Last evaluated: 2024-12-03. Review status: criteria provided, single submitter. Criteria: GeneDx Variant Classification Process June 2021. Collection method: clinical testing. Allele origin: germline. Affected: yes.
Comment: In silico analysis supports that this missense variant has a deleterious effect on protein structure/function; Observed in an child with renal angiomyolipoma (PMID: 33686467); This variant is associated with the following publications: (PMID: 18466115, 33686467)

All of Us Research Program, National Institutes of Health
Classification: Uncertain significance for Tuberous sclerosis syndrome. Last evaluated: 2023-09-17. Review status: criteria provided, single submitter. Criteria: ACMG Guidelines, 2015. Collection method: clinical testing. Allele origin: germline. Inheritance: Autosomal dominant inheritance. Observed: 4 variant alleles, 4 heterozygotes.
Comment: This missense variant replaces glutamic acid with alanine at codon 51 of the TSC2 protein. Computational prediction is inconclusive regarding the impact of this variant on protein structure and function (internally defined REVEL score threshold 0.5 < inconclusive < 0.7, PMID: 27666373). To our knowledge, functional studies have not been reported for this variant. This variant has not been reported in individuals affected with tuberous sclerosis complex in the literature. This variant has been identified in 4/251096 chromosomes in the general population by the Genome Aggregation Database (gnomAD). The available evidence is insufficient to determine the role of this variant in disease conclusively. Therefore, this variant is classified as a Variant of Uncertain Significance.

This study involves interpretation of variants in research participants for the purpose of population health screening. Participant phenotype was not available at the time of variant classification. Additional details can be found in publication PMID: 35346344, PMCID: PMC8962531

Blueprint Genetics
Classification: Uncertain significance. Last evaluated: 2023-08-21. Review status: criteria provided, single submitter. Criteria: ACMG Guidelines, 2015. Collection method: clinical testing. Allele origin: germline.

Clinical Genomics Laboratory, Washington University in St. Louis
Classification: Uncertain significance for Tuberous sclerosis 2. Last evaluated: 2023-08-16. Review status: criteria provided, single submitter. Criteria: ACMG Guidelines, 2015. Collection method: clinical testing. Allele origin: germline.
Comment: A TSC2 c.152A>C (p.Glu51Ala) variant is observed at fraction consistent with heterozygosity in the germline. This variant is listed in the ClinVar database with conflicting interpretations of pathogenicity (uncertain significance by two submitters and likely benign by three submitters, ClinVar ID 1961840). TSC2 c.152A>C (p.Glu51Ala) is only observed on 2/152068 alleles in the general population (gnomAD v.2.1.1), indicating it is not a common variant. Computational predictors are uncertain as to the impact of this variant on TSC2 function. Due to limited information, and based on ACMG/AMP guidelines for variant interpretation (Richards S et al., PMID: 25741868), TSC2 c.152A>C (p.Glu51Ala) is classified as being of uncertain clinical significance at this time.

Genome-Nilou Lab
Classification: Likely benign for Tuberous sclerosis 2. Last evaluated: 2021-11-07. Review status: criteria provided, single submitter. Criteria: ACMG Guidelines, 2015. Collection method: clinical testing. Allele origin: germline. Affected: no.

Ambry Genetics
Classification: Likely benign for Hereditary cancer-predisposing syndrome. Last evaluated: 2021-08-17. Review status: criteria provided, single submitter. Criteria: Ambry Variant Classification Scheme 2023. Collection method: clinical testing. Allele origin: germline.

Sema4
Classification: Uncertain significance for Hereditary cancer-predisposing syndrome. Last evaluated: 2021-05-28. Review status: criteria provided, single submitter. Criteria: Sema4 Curation Guidelines. Collection method: curation. Allele origin: germline.
Comment: The TSC2 c.152A>C (p.E51A) variant has been reported in heterozygosity in at least one individual with renal angiomyolipoma (PMID: 33686467). This variant was observed in 4/113456 chromosomes in the European (non-Finnish) subpopulation according to the Genome Aggregation Database (PMID: 32461654) and has been reported in ClinVar (Variation ID: 207736). In silico tools suggest the impact of the variant on protein function is inconclusive, though these predictions have not been confirmed by functional studies. Based on the current evidence available, this variant is interpreted as a variant of uncertain significance.

Literature cited by the submitters: PubMed 33686467 (cited by Color Diagnostics, LLC DBA Color Health and Sema4).